The following is an entry in ClinVar:

ClinVar aggregate classification (germline): Conflicting classifications of pathogenicity. Review status: criteria provided, conflicting classifications (1 of 4 stars). 4 submissions from 4 submitters: Uncertain significance (1); Likely benign (3). Last evaluated 2025-12-31.

Conditions:
Hypertrophic cardiomyopathy. Also called: HYPERTROPHIC MYOCARDIOPATHY. Identifiers: Orphanet 217569, MedGen C0007194, MeSH D002312, MONDO:0005045, HP:0001639.
Cardiovascular phenotype. Identifiers: MedGen CN230736.

gnomAD v4.1: 83 of 1,591,948 alleles (0.0052%); highest among the groups gnomAD compares: Non-Finnish European, 0.00034%; 1 homozygote.

Submissions (4):

Labcorp Genetics (formerly Invitae), Labcorp
Classification: Likely benign for Hypertrophic cardiomyopathy. Last evaluated: 2025-12-31. Review status: criteria provided, single submitter. Criteria: Invitae Variant Classification Sherloc (09022015). Collection method: clinical testing. Allele origin: germline.

Ambry Genetics
Classification: Likely benign for Cardiovascular phenotype. Last evaluated: 2025-04-22. Review status: criteria provided, single submitter. Criteria: Ambry Variant Classification Scheme 2023. Collection method: clinical testing. Allele origin: germline.

GeneDx
Classification: Uncertain significance. Last evaluated: 2024-06-10. Review status: criteria provided, single submitter. Criteria: GeneDx Variant Classification Process June 2021. Collection method: clinical testing. Allele origin: germline. Affected: yes.
Comment: Has not been previously published as pathogenic or benign to our knowledge; In silico analysis indicates that this missense variant does not alter protein structure/function

Blueprint Genetics
Classification: Likely benign. Last evaluated: 2023-09-27. Review status: criteria provided, single submitter. Criteria: ACMG Guidelines, 2015. Collection method: clinical testing. Allele origin: germline.

NM_020433.5(JPH2):c.1823C>G (p.Thr608Arg)

Gene: JPH2 (junctophilin 2; minus strand). Cytogenetic location: 20q13.12.
Variant type: single nucleotide variant.
Coding change: c.1823C>G on transcript NM_020433.5 (MANE Select); coding-DNA position 1823, C replaced by G.
Protein change: p.Thr608Arg; replaces threonine 608 with arginine.
Molecular consequence: missense variant.
Genome position (GRCh38, 1-based): chr20:44,115,852, G>C on the plus strand (C>G on the coding strand, the complement: JPH2 is on the minus strand). VCF-style: chr20-44115852-G-C. GRCh37 (hg19) VCF-style: chr20-42744492-G-C.
Other names: short protein forms T608R.
Identifiers: ClinVar variation 3390760 (VCV003390760.4).